The following is an entry in ClinVar:

NM_000726.5(CACNB4):c.*2163G>A

Gene: CACNB4 (calcium voltage-gated channel auxiliary subunit beta 4; minus strand). Cytogenetic location: 2q23.3.
Variant type: single nucleotide variant.
Coding change: c.*2163G>A on transcript NM_000726.5 (MANE Select); 2163 bases downstream of the stop codon, G replaced by A.
Molecular consequence: 3 prime UTR variant.
Genome position (GRCh38, 1-based): chr2:151,836,956, C>T on the plus strand (G>A on the coding strand, the complement: CACNB4 is on the minus strand). VCF-style: chr2-151836956-C-T. GRCh37 (hg19) VCF-style: chr2-152693470-C-T.
Other names: c.*2163G>A (NM_001005746.4, NM_001005747.4, NM_001145798.3 and 7 more transcripts).
Identifiers: ClinVar variation 331591 (VCV000331591.6), dbSNP rs80306085, ClinGen allele CA10611018.
Genomic context (GRCh38, chr2:151,836,956, plus strand): 5'-TAGTCTAAATTTGTACACCTTGGTGCACTCTTTGCAATTAAATACTTTAATGCGCATAAA[C>T]AAGAAACCAGTAAAGCATATAGAAAAATGTTTTGGCTAATGTTTTCTTTCTCATGCAAGT-3'

ClinVar aggregate classification (germline): Benign (1 of 4 stars; one submission).

Conditions:
Episodic ataxia type 5. Identifiers: Orphanet 211067, MedGen C1866039, MONDO:0013464, OMIM 613855.

Allele frequency attached by ClinVar (database versions not stated): 1000 Genomes Project 0.00300; 1000 Genomes Project 30x 0.00312; TOPMed 0.01155; gnomAD 0.01629 and 0.01698.

Submission:

Illumina Laboratory Services, Illumina
Classification: Benign for Episodic ataxia type 5. Last evaluated: 2018-01-13. Review status: criteria provided, single submitter. Criteria: ICSL Variant Classification Criteria 13 December 2019. Collection method: clinical testing. Allele origin: germline.
Comment: This variant was observed in the ICSL laboratory as part of a predisposition screen in an ostensibly healthy population. It had not been previously curated by ICSL or reported in the Human Gene Mutation Database (HGMD: prior to June 1st, 2018), and was therefore a candidate for classification through an automated scoring system. Utilizing variant allele frequency, disease prevalence and penetrance estimates, and inheritance mode, an automated score was calculated to assess if this variant is too frequent to cause the disease. Based on the score and internal cut-off values, a variant classified as benign is not then subjected to further curation. The score for this variant resulted in a classification of benign for this disease.